The following is an entry in ClinVar:

NM_024529.5(CDC73):c.102G>C (p.Lys34Asn)

Gene: CDC73 (cell division cycle 73; plus strand). Cytogenetic location: 1q31.2.
Variant type: single nucleotide variant.
Coding change: c.102G>C on transcript NM_024529.5 (MANE Select); coding-DNA position 102, G replaced by C.
Protein change: p.Lys34Asn; replaces lysine 34 with asparagine.
Molecular consequence: missense variant.
Genome position (GRCh38, 1-based): chr1:193,122,302, G>C. VCF-style: chr1-193122302-G-C. GRCh37 (hg19) VCF-style: chr1-193091432-G-C.
Other names: short protein forms K34N.
Identifiers: ClinVar variation 2129556 (VCV002129556.5), dbSNP rs570083294, ClinGen allele CA343972951.

ClinVar aggregate classification (germline): Uncertain significance. Review status: criteria provided, multiple submitters, no conflicts (2 of 4 stars). 2 submissions from 2 submitters: Uncertain significance (2). Last evaluated 2026-08-19.

Conditions:
Parathyroid carcinoma (PRTC). Also called: Parathyroid gland carcinoma; CDC73-Related Parathyroid Carcinoma. Identifiers: Orphanet 143, MedGen C0687150, MONDO:0012004, OMIM 608266, HP:0006780.
Hereditary cancer-predisposing syndrome. Also called: Tumor predisposition; Hereditary Cancer Syndrome; Hereditary neoplastic syndrome; Neoplastic Syndromes, Hereditary. Identifiers: Orphanet 140162, MedGen C0027672, MeSH D009386, MONDO:0015356.

Submissions (2):

Ambry Genetics
Classification: Uncertain significance for Hereditary cancer-predisposing syndrome. Last evaluated: 2026-08-19. Review status: criteria provided, single submitter. Criteria: Ambry Variant Classification Scheme 2023. Collection method: clinical testing. Allele origin: germline.
Comment: The p.K34N variant (also known as c.102G>C), located in coding exon 1 of the CDC73 gene, results from a G to C substitution at nucleotide position 102. The lysine at codon 34 is replaced by asparagine, an amino acid with similar properties. This amino acid position is conserved. In addition, the in silico prediction for this alteration is inconclusive. Based on the available evidence, the clinical significance of this variant remains unclear.

Labcorp Genetics (formerly Invitae), Labcorp
Classification: Uncertain significance for Parathyroid carcinoma. Last evaluated: 2025-05-22. Review status: criteria provided, single submitter. Criteria: Invitae Variant Classification Sherloc (09022015). Collection method: clinical testing. Allele origin: germline.
Comment: This sequence change replaces lysine, which is basic and polar, with asparagine, which is neutral and polar, at codon 34 of the CDC73 protein (p.Lys34Asn). This variant is not present in population databases (gnomAD no frequency). This variant has not been reported in the literature in individuals affected with CDC73-related conditions. ClinVar contains an entry for this variant (Variation ID: 2129556). Invitae Evidence Modeling of protein sequence and biophysical properties (such as structural, functional, and spatial information, amino acid conservation, physicochemical variation, residue mobility, and thermodynamic stability) indicates that this missense variant is expected to disrupt CDC73 protein function with a positive predictive value of 80%. In summary, the available evidence is currently insufficient to determine the role of this variant in disease. Therefore, it has been classified as a Variant of Uncertain Significance.